The following is an entry in ClinVar:

ClinVar aggregate classification (germline): Uncertain significance. Review status: criteria provided, multiple submitters, no conflicts (2 of 4 stars). 2 submissions from 2 submitters: Uncertain significance (2). Last evaluated 2024-04-29.

Allele frequency attached by ClinVar (database versions not stated): gnomAD exomes below 0.00001; TOPMed below 0.00001.
gnomAD v4.1: 4 of 1,211,530 alleles (0.00033%); highest among the groups gnomAD compares: Non-Finnish European, 0.00045%; no homozygotes.

Submissions (2):

Labcorp Genetics (formerly Invitae), Labcorp
Classification: Uncertain significance. Last evaluated: 2024-04-29. Review status: criteria provided, single submitter. Criteria: Invitae Variant Classification Sherloc (09022015). Collection method: clinical testing. Allele origin: germline.
Comment: This sequence change replaces alanine, which is neutral and non-polar, with valine, which is neutral and non-polar, at codon 54 of the EBP protein (p.Ala54Val). This variant is not present in population databases (gnomAD no frequency). This variant has not been reported in the literature in individuals affected with EBP-related conditions. Advanced modeling of protein sequence and biophysical properties (such as structural, functional, and spatial information, amino acid conservation, physicochemical variation, residue mobility, and thermodynamic stability) performed at Invitae indicates that this missense variant is expected to disrupt EBP protein function with a positive predictive value of 80%. In summary, the available evidence is currently insufficient to determine the role of this variant in disease. Therefore, it has been classified as a Variant of Uncertain Significance.

CeGaT Center for Human Genetics Tuebingen
Classification: Uncertain significance. Last evaluated: 2023-11-01. Review status: criteria provided, single submitter. Criteria: CeGaT Center For Human Genetics Tuebingen Variant Classification Criteria Version 2. Collection method: clinical testing. Allele origin: germline. Affected: yes. Observed: 1 variant allele.
Comment: EBP: PM2

NM_006579.3(EBP):c.161C>T (p.Ala54Val)

Gene: EBP (EBP cholestenol delta-isomerase; plus strand). Cytogenetic location: Xp11.23.
Variant type: single nucleotide variant.
Coding change: c.161C>T on transcript NM_006579.3 (MANE Select); coding-DNA position 161, C replaced by T.
Protein change: p.Ala54Val; replaces alanine 54 with valine.
Molecular consequence: missense variant.
Genome position (GRCh38, 1-based): chrX:48,523,932, C>T. VCF-style: chrX-48523932-C-T. GRCh37 (hg19) VCF-style: chrX-48382320-C-T.
Other names: short protein forms A54V.
Identifiers: ClinVar variation 2673228 (VCV002673228.25), dbSNP rs2061771576, ClinGen allele CA412851389.